The following is an entry in ClinVar:

NM_000891.3(KCNJ2):c.23G>T (p.Arg8Leu)

Gene: KCNJ2 (potassium inwardly rectifying channel subfamily J member 2; plus strand). Cytogenetic location: 17q24.3.
Variant type: single nucleotide variant.
Coding change: c.23G>T on transcript NM_000891.3 (MANE Select); coding-DNA position 23, G replaced by T.
Protein change: p.Arg8Leu; replaces arginine 8 with leucine.
Molecular consequence: missense variant.
Genome position (GRCh38, 1-based): chr17:70,175,062, G>T. VCF-style: chr17-70175062-G-T. GRCh37 (hg19) VCF-style: chr17-68171203-G-T.
Other names: short protein forms R8L.
Identifiers: ClinVar variation 4858649 (VCV004858649.1).
Genomic context (GRCh38, chr17:70,175,062, plus strand): 5'-TTTCCAAAGCAGAAGCACTGGAGTCCCCAGCAGAAGCGATGGGCAGTGTGCGAACCAACC[G>T]CTACAGCATCGTCTCTTCAGAAGAAGACGGTATGAAGTTGGCCACCATGGCAGTTGCAAA-3'
Protein context (NP_000882.1, residues 1-18): MGSVRTN[Arg8Leu]YSIVSSEEDG

ClinVar aggregate classification (germline): Uncertain significance (1 of 4 stars; one submission).

Conditions:
Cardiovascular phenotype. Identifiers: MedGen CN230736.

Submission:

Ambry Genetics
Classification: Uncertain significance for Cardiovascular phenotype. Last evaluated: 2026-05-11. Review status: criteria provided, single submitter. Criteria: Ambry Variant Classification Scheme 2023. Collection method: clinical testing. Allele origin: germline.
Comment: The p.R8L variant (also known as c.23G>T), located in coding exon 1 of the KCNJ2 gene, results from a G to T substitution at nucleotide position 23. The arginine at codon 8 is replaced by leucine, an amino acid with dissimilar properties. This amino acid position is highly conserved in available vertebrate species. In addition, this alteration is predicted to be tolerated by in silico analysis. Based on the available evidence, the clinical significance of this variant remains unclear.